The following is an entry in ClinVar:

NM_000455.5(STK11):c.584T>G (p.Leu195Arg)

Gene: STK11 (serine/threonine kinase 11; plus strand). Cytogenetic location: 19p13.3.
Variant type: single nucleotide variant.
Coding change: c.584T>G on transcript NM_000455.5 (MANE Select); coding-DNA position 584, T replaced by G.
Protein change: p.Leu195Arg; replaces leucine 195 with arginine.
Molecular consequence: missense variant.
Genome position (GRCh38, 1-based): chr19:1,220,492, T>G. VCF-style: chr19-1220492-T-G. GRCh37 (hg19) VCF-style: chr19-1220491-T-G.
Other names: short protein forms L195R.
Identifiers: ClinVar variation 921350 (VCV000921350.4), dbSNP rs2080775051, ClinGen allele CA402949280.
Genomic context (GRCh38, chr19:1,220,492, plus strand): 5'-AGGACATCAAGCCGGGGAACCTGCTGCTCACCACCGGTGGCACCCTCAAAATCTCCGACC[T>G]GGGCGTGGCCGAGGTAGGCACGTGCTAGGGGGGGCCCTGGGGCGCCCCCTCCCGGGCACT-3'
Protein context (NP_000446.1, residues 185-205): TTGGTLKISD[Leu195Arg]GVAEALHPFA

ClinVar aggregate classification (germline): Uncertain significance (1 of 4 stars; one submission).

Conditions:
Hereditary cancer-predisposing syndrome. Also called: Neoplastic Syndromes, Hereditary; Tumor predisposition; Hereditary Cancer Syndrome; Hereditary neoplastic syndrome. Identifiers: Orphanet 140162, MedGen C0027672, MeSH D009386, MONDO:0015356.

Submission:

Color Diagnostics, LLC DBA Color Health
Classification: Uncertain significance for Hereditary cancer-predisposing syndrome. Last evaluated: 2023-12-05. Review status: criteria provided, single submitter. Criteria: ACMG Guidelines, 2015. Collection method: clinical testing. Allele origin: germline.
Comment: This missense variant replaces leucine with arginine at codon 195 of the STK11 protein. Computational prediction suggests that this variant may have deleterious impact on protein structure and function (internally defined REVEL score threshold >= 0.7, PMID: 27666373). To our knowledge, functional studies have not been reported for this variant. This variant has not been reported in individuals affected with STK11-related disorders in the literature. This variant has not been identified in the general population by the Genome Aggregation Database (gnomAD). The available evidence is insufficient to determine the role of this variant in disease conclusively. Therefore, this variant is classified as a Variant of Uncertain Significance.